The following is an entry in ClinVar:

ClinVar aggregate classification (germline): Uncertain significance. Review status: criteria provided, multiple submitters, no conflicts (2 of 4 stars). 2 submissions from 2 submitters: Uncertain significance (2). Last evaluated 2021-07-14.

Conditions:
Familial melanoma. Also called: Hereditary melanoma; Hereditary cutaneous melanoma. Identifiers: Orphanet 618, MedGen C1512419, MONDO:0018961.
Hereditary cancer-predisposing syndrome. Also called: Neoplastic Syndromes, Hereditary; Tumor predisposition; Hereditary Cancer Syndrome; Hereditary neoplastic syndrome. Identifiers: Orphanet 140162, MedGen C0027672, MeSH D009386, MONDO:0015356.

Submissions (2):

Labcorp Genetics (formerly Invitae), Labcorp
Classification: Uncertain significance for Familial melanoma. Last evaluated: 2021-07-14. Review status: criteria provided, single submitter. Criteria: Invitae Variant Classification Sherloc (09022015). Collection method: clinical testing. Allele origin: germline.

Ambry Genetics
Classification: Uncertain significance for Hereditary cancer-predisposing syndrome. Last evaluated: 2016-02-23. Review status: criteria provided, single submitter. Criteria: Ambry Variant Classification Scheme 2023. Collection method: clinical testing. Allele origin: germline.
Comment: The p.V2M variant (also known as c.4G>A), located in coding exon 1 of the CDKN2A gene, results from a G to A substitution at nucleotide position 4. The valine at codon 2 is replaced by methionine, an amino acid with highly similar properties. This variant was not reported in population based cohorts in the following databases: Database of Single Nucleotide Polymorphisms (dbSNP), NHLBI Exome Sequencing Project (ESP), and 1000 Genomes Project. In the ESP, this variant was not observed in 6455 samples (12910 alleles) with coverage at this position. To date, this alteration has been detected with an allele frequency of approximately 0.002% (greater than 50000 alleles tested) in our clinical cohort. This amino acid position is well conserved in available vertebrate species. In addition, this alteration is predicted to be tolerated by in silico analysis. Since supporting evidence is limited at this time, the clinical significance of this alteration remains unclear.

NM_058195.4(CDKN2A):c.4G>A (p.Val2Met)

Gene: CDKN2A (cyclin dependent kinase inhibitor 2A; minus strand). Cytogenetic location: 9p21.3.
Variant type: single nucleotide variant.
Coding change: c.4G>A on transcript NM_058195.4 (MANE Plus Clinical); coding-DNA position 4, G replaced by A.
Protein change: p.Val2Met; replaces valine 2 with methionine.
Molecular consequence: missense variant. On other transcripts: intron variant (1).
Genome position (GRCh38, 1-based): chr9:21,994,328, C>T on the plus strand (G>A on the coding strand, the complement: CDKN2A is on the minus strand). VCF-style: chr9-21994328-C-T. GRCh37 (hg19) VCF-style: chr9-21994327-C-T.
Other names: c.-4+493G>A (NM_001363763.2); short protein forms V2M.
Identifiers: ClinVar variation 1036620 (VCV001036620.7), dbSNP rs1820538120, ClinGen allele CA373087131.